The following is an entry in ClinVar:

ClinVar aggregate classification (germline): Uncertain significance (1 of 4 stars; one submission).

Conditions:
Inborn genetic diseases. Identifiers: MedGen C0950123, MeSH D030342.

Submission:

Ambry Genetics
Classification: Uncertain significance for Inborn genetic diseases. Last evaluated: 2026-07-13. Review status: criteria provided, single submitter. Criteria: Ambry Variant Classification Scheme 2023. Collection method: clinical testing. Allele origin: germline.
Comment: The p.V643G variant (also known as c.1928T>G), located in coding exon 1 of the SAMD9L gene, results from a T to G substitution at nucleotide position 1928. The valine at codon 643 is replaced by glycine, an amino acid with dissimilar properties. This amino acid position is conserved. In addition, this alteration is predicted to be tolerated by in silico analysis. Based on the available evidence, the clinical significance of this variant remains unclear.

NM_152703.5(SAMD9L):c.1928T>G (p.Val643Gly)

Gene: SAMD9L (sterile alpha motif domain containing 9 like; minus strand). Cytogenetic location: 7q21.2.
Variant type: single nucleotide variant.
Coding change: c.1928T>G on transcript NM_152703.5 (MANE Select); coding-DNA position 1928, T replaced by G.
Protein change: p.Val643Gly; replaces valine 643 with glycine.
Molecular consequence: missense variant.
Genome position (GRCh38, 1-based): chr7:93,134,044, A>C on the plus strand (T>G on the coding strand, the complement: SAMD9L is on the minus strand). VCF-style: chr7-93134044-A-C. GRCh37 (hg19) VCF-style: chr7-92763357-A-C.
Other names: c.1928T>G, p.Val643Gly (NM_001303496.3, NM_001303497.3, NM_001303498.3 and 5 more transcripts); short protein forms V643G.
Identifiers: ClinVar variation 5028891 (VCV005028891.1).